The following is an entry in ClinVar:

NM_213655.5(WNK1):c.2143C>G (p.Arg715Gly)

Gene: WNK1 (WNK lysine deficient protein kinase 1; plus strand). Cytogenetic location: 12p13.33.
Variant type: single nucleotide variant.
Coding change: c.2143C>G on transcript NM_213655.5 (MANE Plus Clinical); coding-DNA position 2143, C replaced by G.
Protein change: p.Arg715Gly; replaces arginine 715 with glycine.
Molecular consequence: missense variant. On other transcripts: intron variant (3).
Genome position (GRCh38, 1-based): chr12:865,113, C>G. VCF-style: chr12-865113-C-G. GRCh37 (hg19) VCF-style: chr12-974279-C-G.
Other names: c.2139+2843C>G (NM_018979.4, NM_014823.3); c.2140-2753C>G (NM_001184985.2); short protein forms R715G.
Identifiers: ClinVar variation 1006756 (VCV001006756.8), dbSNP rs772257923, ClinGen allele CA383337463.
Genomic context (GRCh38, chr12:865,113, plus strand): 5'-GTTTATTTTGTTTTCACAGTACTGTGTTTTTCATGTGTGTGTTTGTTTTGTGTTGAGCCT[C>G]GTCGTGGCCGTAGCATGTCGGTTTGTGTTCCCATCTTTCTGCTGTTGCCTCTGTGTCCCG-3'
Protein context (NP_998820.3, residues 705-725): HGVYPPSSVP[Arg715Gly]RGRSMSVCVP

ClinVar aggregate classification (germline): Uncertain significance (1 of 4 stars; one submission).

Conditions:
Pseudohypoaldosteronism type 2C (PHA2C). Also called: Pseudohypoaldosteronism Type IIC. Identifiers: Orphanet 757, Orphanet 88940, MedGen C1840391, MONDO:0013778, OMIM 614492.
Neuropathy, hereditary sensory and autonomic, type 2A (HSAN2A). Also called: ACROOSTEOLYSIS, GIACCAI TYPE; ACROOSTEOLYSIS, NEUROGENIC; MORVAN DISEASE; NEUROPATHY, CONGENITAL SENSORY; NEUROPATHY, HEREDITARY SENSORY RADICULAR, AUTOSOMAL RECESSIVE; NEUROPATHY, HEREDITARY SENSORY, TYPE IIA. Identifiers: Orphanet 970, MedGen C2752089, MONDO:0024309, OMIM 201300.

Allele frequency attached by ClinVar (database versions not stated): TOPMed 0.00001.

Submission:

Labcorp Genetics (formerly Invitae), Labcorp
Classification: Uncertain significance for Neuropathy, hereditary sensory and autonomic, type 2A; Pseudohypoaldosteronism type 2C. Last evaluated: 2023-12-30. Review status: criteria provided, single submitter. Criteria: Invitae Variant Classification Sherloc (09022015). Collection method: clinical testing. Allele origin: germline.
Comment: This sequence change replaces arginine, which is basic and polar, with glycine, which is neutral and non-polar, at codon 715 of the WNK1 protein (p.Arg715Gly). This variant is not present in population databases (gnomAD no frequency). This variant has not been reported in the literature in individuals affected with WNK1-related conditions. ClinVar contains an entry for this variant (Variation ID: 1006756). Advanced modeling of protein sequence and biophysical properties (such as structural, functional, and spatial information, amino acid conservation, physicochemical variation, residue mobility, and thermodynamic stability) performed at Invitae indicates that this missense variant is not expected to disrupt WNK1 protein function with a negative predictive value of 95%. In summary, the available evidence is currently insufficient to determine the role of this variant in disease. Therefore, it has been classified as a Variant of Uncertain Significance.